The following is an entry in ClinVar:

NM_001385125.1(OPN1SW):c.104C>T (p.Ala35Val)

Gene: OPN1SW (opsin 1, short wave sensitive; minus strand). Cytogenetic location: 7q32.1.
Variant type: single nucleotide variant.
Coding change: c.104C>T on transcript NM_001385125.1 (MANE Select); coding-DNA position 104, C replaced by T.
Protein change: p.Ala35Val; replaces alanine 35 with valine.
Molecular consequence: missense variant.
Genome position (GRCh38, 1-based): chr7:128,775,678, G>A on the plus strand (C>T on the coding strand, the complement: OPN1SW is on the minus strand). VCF-style: chr7-128775678-G-A. GRCh37 (hg19) VCF-style: chr7-128415732-G-A.
Other names: NM_001708.2:c.113C>T; short protein forms A35V.
Identifiers: ClinVar variation 2741154 (VCV002741154.4), dbSNP rs770906228, ClinGen allele CA4473056.

ClinVar aggregate classification (germline): Uncertain significance. Review status: criteria provided, multiple submitters, no conflicts (2 of 4 stars). 2 submissions from 2 submitters: Uncertain significance (2). Last evaluated 2025-02-23.

Allele frequency attached by ClinVar (database versions not stated): gnomAD 0.00001; TOPMed 0.00001; ExAC 0.00001.
gnomAD v4.1: 20 of 1,614,080 alleles (0.0012%); highest among the groups gnomAD compares: Admixed American, 0.012%; no homozygotes.

Submissions (2):

Labcorp Genetics (formerly Invitae), Labcorp
Classification: Uncertain significance. Last evaluated: 2025-02-23. Review status: criteria provided, single submitter. Criteria: Invitae Variant Classification Sherloc (09022015). Collection method: clinical testing. Allele origin: germline.
Comment: This sequence change replaces alanine, which is neutral and non-polar, with valine, which is neutral and non-polar, at codon 38 of the OPN1SW protein (p.Ala38Val). This variant is present in population databases (rs770906228, gnomAD 0.01%). This variant has not been reported in the literature in individuals affected with OPN1SW-related conditions. ClinVar contains an entry for this variant (Variation ID: 2741154). An algorithm developed to predict the effect of missense changes on protein structure and function (PolyPhen-2) suggests that this variant is likely to be tolerated. In summary, the available evidence is currently insufficient to determine the role of this variant in disease. Therefore, it has been classified as a Variant of Uncertain Significance.

Ambry Genetics
Classification: Uncertain significance. Last evaluated: 2024-06-25. Review status: criteria provided, single submitter. Criteria: Ambry Variant Classification Scheme 2023. Collection method: clinical testing. Allele origin: germline.